The following is an entry in ClinVar:

ClinVar aggregate classification (germline): Uncertain significance (1 of 4 stars; one submission).

Conditions:
Hereditary cancer-predisposing syndrome. Also called: Neoplastic Syndromes, Hereditary; Tumor predisposition; Hereditary Cancer Syndrome; Hereditary neoplastic syndrome. Identifiers: Orphanet 140162, MedGen C0027672, MeSH D009386, MONDO:0015356.

Submission:

Ambry Genetics
Classification: Uncertain significance for Hereditary cancer-predisposing syndrome. Last evaluated: 2022-03-04. Review status: criteria provided, single submitter. Criteria: Ambry Variant Classification Scheme 2023. Collection method: clinical testing. Allele origin: germline.
Comment: The p.S1264N variant (also known as c.3791G>A), located in coding exon 30 of the POLE gene, results from a G to A substitution at nucleotide position 3791. The serine at codon 1264 is replaced by asparagine, an amino acid with highly similar properties. This amino acid position is conserved. In addition, this alteration is predicted to be tolerated by in silico analysis. Since supporting evidence is limited at this time, the clinical significance of this alteration remains unclear.

NM_006231.4(POLE):c.3791G>A (p.Ser1264Asn)

Gene: POLE (DNA polymerase epsilon, catalytic subunit; minus strand). Cytogenetic location: 12q24.33.
Variant type: single nucleotide variant.
Coding change: c.3791G>A on transcript NM_006231.4 (MANE Select); coding-DNA position 3791, G replaced by A.
Protein change: p.Ser1264Asn; replaces serine 1264 with asparagine.
Molecular consequence: missense variant.
Genome position (GRCh38, 1-based): chr12:132,649,681, C>T on the plus strand (G>A on the coding strand, the complement: POLE is on the minus strand). VCF-style: chr12-132649681-C-T. GRCh37 (hg19) VCF-style: chr12-133226267-C-T.
Other names: short protein forms S1264N.
Identifiers: ClinVar variation 1734956 (VCV001734956.2), dbSNP rs2138612365, ClinGen allele CA387385893.